The following is an entry in ClinVar:

ClinVar aggregate classification (germline): Likely benign. Review status: criteria provided, multiple submitters, no conflicts (2 of 4 stars). 3 submissions from 3 submitters: Likely benign (3). Last evaluated 2025-02-24.

Conditions:
Nail-patella syndrome (NPS). Also called: FONG DISEASE; TURNER-KIESER SYNDROME; ONYCHOOSTEODYSPLASIA. Identifiers: Orphanet 2614, MedGen C0027341, MONDO:0008061, OMIM 161200.

Allele frequency attached by ClinVar (database versions not stated): TOPMed 0.00006; gnomAD 0.00007 and 0.00008; gnomAD exomes 0.00010; ExAC 0.00023.
gnomAD v4.1: 69 of 1,578,884 alleles (0.0044%); highest among the groups gnomAD compares: African/African-American, 0.0067%; no homozygotes.

Submissions (3):

Labcorp Genetics (formerly Invitae), Labcorp
Classification: Likely benign. Last evaluated: 2025-02-24. Review status: criteria provided, single submitter. Criteria: Invitae Variant Classification Sherloc (09022015). Collection method: clinical testing. Allele origin: germline.

Blueprint Genetics
Classification: Likely benign. Last evaluated: 2024-10-23. Review status: criteria provided, single submitter. Criteria: ACMG Guidelines, 2015. Collection method: clinical testing. Allele origin: germline.

Illumina Laboratory Services, Illumina
Classification: Likely benign for Nail-patella syndrome. Last evaluated: 2018-01-13. Review status: criteria provided, single submitter. Criteria: ICSL Variant Classification Criteria 13 December 2019. Collection method: clinical testing. Allele origin: germline.
Comment: This variant was observed in the ICSL laboratory as part of a predisposition screen in an ostensibly healthy population. It had not been previously curated by ICSL or reported in the Human Gene Mutation Database (HGMD: prior to June 1st, 2018), and was therefore a candidate for classification through an automated scoring system. Utilizing variant allele frequency, disease prevalence and penetrance estimates, and inheritance mode, an automated score was calculated to assess if this variant is too frequent to cause the disease. Based on the score and internal cut-off values, a variant classified as likely benign is not then subjected to further curation. The score for this variant resulted in a classification of likely benign for this disease.

NM_001174147.2(LMX1B):c.19C>G (p.Pro7Ala)

Gene: LMX1B (LIM homeobox transcription factor 1 beta; plus strand). Cytogenetic location: 9q33.3.
Variant type: single nucleotide variant.
Coding change: c.19C>G on transcript NM_001174147.2 (MANE Select); coding-DNA position 19, C replaced by G.
Protein change: p.Pro7Ala; replaces proline 7 with alanine.
Molecular consequence: missense variant.
Genome position (GRCh38, 1-based): chr9:126,614,468, C>G. VCF-style: chr9-126614468-C-G. GRCh37 (hg19) VCF-style: chr9-129376747-C-G.
Other names: c.19C>G, p.Pro7Ala (NM_001174146.2, NM_002316.4); short protein forms P7A.
Identifiers: ClinVar variation 364875 (VCV000364875.13), dbSNP rs767281663, ClinGen allele CA5242197.